The following is an entry in ClinVar:

NM_003640.5(ELP1):c.779C>G (p.Pro260Arg)

Gene: ELP1 (elongator acetyltransferase complex subunit 1; minus strand). Cytogenetic location: 9q31.3.
Variant type: single nucleotide variant.
Coding change: c.779C>G on transcript NM_003640.5 (MANE Select); coding-DNA position 779, C replaced by G.
Protein change: p.Pro260Arg; replaces proline 260 with arginine.
Molecular consequence: missense variant. On other transcripts: 5 prime UTR variant (1).
Genome position (GRCh38, 1-based): chr9:108,917,632, G>C on the plus strand (C>G on the coding strand, the complement: ELP1 is on the minus strand). VCF-style: chr9-108917632-G-C. GRCh37 (hg19) VCF-style: chr9-111679912-G-C.
Other names: c.437C>G, p.Pro146Arg (NM_001318360.2); c.-269C>G (NM_001330749.2); short protein forms P146R, P260R.
Identifiers: ClinVar variation 1347739 (VCV001347739.8), dbSNP rs2132028041, ClinGen allele CA374386395.

ClinVar aggregate classification (germline): Uncertain significance (1 of 4 stars; one submission).

Submission:

Labcorp Genetics (formerly Invitae), Labcorp
Classification: Uncertain significance. Last evaluated: 2025-12-15. Review status: criteria provided, single submitter. Criteria: Invitae Variant Classification Sherloc (09022015). Collection method: clinical testing. Allele origin: germline.
Comment: This sequence change replaces proline, which is neutral and non-polar, with arginine, which is basic and polar, at codon 260 of the ELP1 protein (p.Pro260Arg). This variant is not present in population databases (gnomAD no frequency). This variant has not been reported in the literature in individuals affected with ELP1-related conditions. ClinVar contains an entry for this variant (Variation ID: 1347739). Invitae Evidence Modeling of protein sequence and biophysical properties (such as structural, functional, and spatial information, amino acid conservation, physicochemical variation, residue mobility, and thermodynamic stability) has been performed for this missense variant. However, the output from this modeling did not meet the statistical confidence thresholds required to predict the impact of this variant on ELP1 protein function. In summary, the available evidence is currently insufficient to determine the role of this variant in disease. Therefore, it has been classified as a Variant of Uncertain Significance.